The following is an entry in ClinVar:

NM_000466.3(PEX1):c.1970C>T (p.Ser657Phe)

Gene: PEX1 (peroxisomal biogenesis factor 1; minus strand). Cytogenetic location: 7q21.2.
Variant type: single nucleotide variant.
Coding change: c.1970C>T on transcript NM_000466.3 (MANE Select); coding-DNA position 1970, C replaced by T.
Protein change: p.Ser657Phe; replaces serine 657 with phenylalanine.
Molecular consequence: missense variant. On other transcripts: intron variant (1).
Genome position (GRCh38, 1-based): chr7:92,504,833, G>A on the plus strand (C>T on the coding strand, the complement: PEX1 is on the minus strand). VCF-style: chr7-92504833-G-A. GRCh37 (hg19) VCF-style: chr7-92134147-G-A.
Other names: c.1346C>T, p.Ser449Phe (NM_001282678.2); c.1900+1415C>T (NM_001282677.2); short protein forms S657F, S449F.
Identifiers: ClinVar variation 1966494 (VCV001966494.3), dbSNP rs1252704460, ClinGen allele CA368183637.

ClinVar aggregate classification (germline): Uncertain significance. Review status: criteria provided, multiple submitters, no conflicts (2 of 4 stars). 2 submissions from 2 submitters: Uncertain significance (2). Last evaluated 2022-06-08.

Conditions:
Zellweger spectrum disorders (ZS). Also called: Zellweger syndrome; Zellweger Spectrum Disorder (ZSD); Zellweger Spectrum Disorder; Zellweger Spectrum. Identifiers: Orphanet 912, MedGen C0043459, MONDO:0019609.

Allele frequency attached by ClinVar (database versions not stated): gnomAD exomes 0.00001.
gnomAD v4.1: 8 of 1,614,054 alleles (0.0005%); highest among the groups gnomAD compares: African/African-American, 0.0013%; no homozygotes.

Submissions (2):

Labcorp Genetics (formerly Invitae), Labcorp
Classification: Uncertain significance for Zellweger spectrum disorders. Last evaluated: 2022-06-08. Review status: criteria provided, single submitter. Criteria: Invitae Variant Classification Sherloc (09022015). Collection method: clinical testing. Allele origin: germline.
Comment: This sequence change replaces serine, which is neutral and polar, with phenylalanine, which is neutral and non-polar, at codon 657 of the PEX1 protein (p.Ser657Phe). This variant is present in population databases (no rsID available, gnomAD 0.007%). This variant has not been reported in the literature in individuals affected with PEX1-related conditions. Algorithms developed to predict the effect of missense changes on protein structure and function are either unavailable or do not agree on the potential impact of this missense change (SIFT: "Deleterious"; PolyPhen-2: "Probably Damaging"; Align-GVGD: "Class C15"). In summary, the available evidence is currently insufficient to determine the role of this variant in disease. Therefore, it has been classified as a Variant of Uncertain Significance.

Blueprint Genetics
Classification: Uncertain significance. Last evaluated: 2022-02-23. Review status: criteria provided, single submitter. Criteria: ACMG Guidelines, 2015. Collection method: clinical testing. Allele origin: germline.